The following is an entry in ClinVar:

ClinVar aggregate classification (germline): Uncertain significance. Review status: criteria provided, multiple submitters, no conflicts (2 of 4 stars). 3 submissions from 3 submitters: Uncertain significance (3). Last evaluated 2025-07-31.

Conditions:
Hereditary cancer-predisposing syndrome. Also called: Hereditary neoplastic syndrome; Neoplastic Syndromes, Hereditary; Tumor predisposition; Hereditary Cancer Syndrome. Identifiers: Orphanet 140162, MedGen C0027672, MeSH D009386, MONDO:0015356.
Ataxia-telangiectasia syndrome (AT). Also called: Ataxia-telangiectasia, complementation group D; AT, COMPLEMENTATION GROUP C; ATAXIA-TELANGIECTASIA, COMPLEMENTATION GROUP A; ATAXIA-TELANGIECTASIA, FRESNO VARIANT; Ataxia-telangiectasia; Cerebello-oculocutaneous telangiectasia. Identifiers: Orphanet 100, MedGen C0004135, MONDO:0008840, OMIM 208900.

Submissions (3):

Ambry Genetics
Classification: Uncertain significance for Hereditary cancer-predisposing syndrome. Last evaluated: 2025-07-31. Review status: criteria provided, single submitter. Criteria: Ambry Variant Classification Scheme 2023. Collection method: clinical testing. Allele origin: germline.
Comment: The p.Q700E variant (also known as c.2098C>G), located in coding exon 12 of the ATM gene, results from a C to G substitution at nucleotide position 2098. The glutamine at codon 700 is replaced by glutamic acid, an amino acid with highly similar properties. This amino acid position is well conserved in available vertebrate species. In addition, this alteration is predicted to be tolerated by in silico analysis. Based on the available evidence, the clinical significance of this variant remains unclear.

Color Diagnostics, LLC DBA Color Health
Classification: Uncertain significance for Hereditary cancer-predisposing syndrome. Last evaluated: 2021-10-04. Review status: criteria provided, single submitter. Criteria: ACMG Guidelines, 2015. Collection method: clinical testing. Allele origin: germline.
Comment: This missense variant replaces glutamine with glutamic acid at codon 700 of the ATM protein. Computational prediction suggests that this variant may not impact protein structure and function (internally defined REVEL score threshold <= 0.5, PMID: 27666373). To our knowledge, functional studies have not been reported for this variant. This variant has not been reported in individuals affected with hereditary cancer in the literature. This variant has not been identified in the general population by the Genome Aggregation Database (gnomAD). The available evidence is insufficient to determine the role of this variant in disease conclusively. Therefore, this variant is classified as a Variant of Uncertain Significance.

Labcorp Genetics (formerly Invitae), Labcorp
Classification: Uncertain significance for Ataxia-telangiectasia syndrome. Last evaluated: 2020-08-31. Review status: criteria provided, single submitter. Criteria: Invitae Variant Classification Sherloc (09022015). Collection method: clinical testing. Allele origin: germline.
Comment: In summary, the available evidence is currently insufficient to determine the role of this variant in disease. Therefore, it has been classified as a Variant of Uncertain Significance. Advanced modeling of protein sequence and biophysical properties (such as structural, functional, and spatial information, amino acid conservation, physicochemical variation, residue mobility, and thermodynamic stability) performed at Invitae indicates that this missense variant is not expected to disrupt ATM protein function. This variant has not been reported in the literature in individuals with ATM-related conditions. This variant is not present in population databases (ExAC no frequency). This sequence change replaces glutamine with glutamic acid at codon 700 of the ATM protein (p.Gln700Glu). The glutamine residue is moderately conserved and there is a small physicochemical difference between glutamine and glutamic acid.

NM_000051.4(ATM):c.2098C>G (p.Gln700Glu)

Gene: ATM (ATM serine/threonine kinase; plus strand). Cytogenetic location: 11q22.3.
Variant type: single nucleotide variant.
Coding change: c.2098C>G on transcript NM_000051.4 (MANE Select); coding-DNA position 2098, C replaced by G.
Protein change: p.Gln700Glu; replaces glutamine 700 with glutamic acid.
Molecular consequence: missense variant.
Genome position (GRCh38, 1-based): chr11:108,254,013, C>G. VCF-style: chr11-108254013-C-G. GRCh37 (hg19) VCF-style: chr11-108124740-C-G.
Other names: c.2098C>G (NM_000051.3); c.2098C>G, p.Gln700Glu (NM_001351834.2); short protein forms Q700E.
Identifiers: ClinVar variation 1004365 (VCV001004365.11), dbSNP rs786202743, ClinGen allele CA382537663.